The following is an entry in ClinVar:

NM_001282531.3(ADNP):c.2000G>T (p.Cys667Phe)

Gene: ADNP (activity dependent neuroprotector homeobox; minus strand). Cytogenetic location: 20q13.13.
Variant type: single nucleotide variant.
Coding change: c.2000G>T on transcript NM_001282531.3 (MANE Select); coding-DNA position 2000, G replaced by T.
Protein change: p.Cys667Phe; replaces cysteine 667 with phenylalanine.
Molecular consequence: missense variant.
Genome position (GRCh38, 1-based): chr20:50,892,714, C>A on the plus strand (G>T on the coding strand, the complement: ADNP is on the minus strand). VCF-style: chr20-50892714-C-A. GRCh37 (hg19) VCF-style: chr20-49509251-C-A.
Other names: c.2000G>T, p.Cys667Phe (NM_001282532.2, NM_001347511.2, NM_015339.5 and 1 more transcripts); short protein forms C667F.
Identifiers: ClinVar variation 1805403 (VCV001805403.1), dbSNP rs2515581500, ClinGen allele CA408971569.

ClinVar aggregate classification (germline): Likely pathogenic (1 of 4 stars; one submission).

Conditions:
ADNP-related multiple congenital anomalies - intellectual disability - autism spectrum disorder. Also called: Helsmoortel-Van der Aa Syndrome; ADNP-Related Helsmoortel-Van der Aa Syndrome. Identifiers: Orphanet 404448, MedGen C4014538, MONDO:0014379, OMIM 615873. Disease mechanism: loss of function.

Submission:

Victorian Clinical Genetics Services, Murdoch Childrens Research Institute
Classification: Likely pathogenic for ADNP-related multiple congenital anomalies - intellectual disability - autism spectrum disorder. Last evaluated: 2022-03-31. Review status: criteria provided, single submitter. Criteria: ACMG Guidelines, 2015. Collection method: clinical testing. Allele origin: germline. Inheritance: Autosomal dominant inheritance. Affected: yes.
Comment: Based on the classification scheme VCGS_Germline_v1.3.4, this variant is classified as Likely pathogenic. Following criteria are met: 0102 - Loss of function is a known mechanism of disease in this gene and is associated with Helsmoortel-van der Aa syndrome (MIM#615873) (PMID: 29911927). (I) 0107 - This gene is associated with autosomal dominant disease. (I) 0200 - Variant is predicted to result in a missense amino acid change from cysteine to phenylalanine. (I) 0251 - This variant is heterozygous. (I) 0301 - Variant is absent from gnomAD (both v2 and v3). (SP) 0501 - Missense variant consistently predicted to be damaging by multiple in silico tools or highly conserved with a major amino acid change. (SP) 0603 - Missense variant in a region that is highly intolerant to missense variation (high constraint region in DECIPHER). (SP) 0705 - No comparable missense variants have previous evidence for pathogenicity. (I) 0807 - This variant has no previous evidence of pathogenicity. (I) 0905 - No published segregation evidence has been identified for this variant. (I) 1007 - No published functional evidence has been identified for this variant. (SP)

Literature cited by the submitters: PubMed 29911927.